The following is an entry in ClinVar:

NM_002880.4(RAF1):c.444G>C (p.Lys148Asn)

Gene: RAF1 (Raf-1 proto-oncogene, serine/threonine kinase; minus strand). Cytogenetic location: 3p25.2.
Variant type: single nucleotide variant.
Coding change: c.444G>C on transcript NM_002880.4 (MANE Select); coding-DNA position 444, G replaced by C.
Protein change: p.Lys148Asn; replaces lysine 148 with asparagine.
Molecular consequence: missense variant. On other transcripts: non-coding transcript variant (3).
Genome position (GRCh38, 1-based): chr3:12,608,903, C>G on the plus strand (G>C on the coding strand, the complement: RAF1 is on the minus strand). VCF-style: chr3-12608903-C-G. GRCh37 (hg19) VCF-style: chr3-12650402-C-G.
Other names: c.444G>C, p.Lys148Asn (NM_001354689.3, NM_001354690.3, NM_001354693.3); c.201G>C, p.Lys67Asn (NM_001354691.3, NM_001354692.3, NM_001354694.3 and 1 more transcripts); short protein forms K148N, K67N.
Identifiers: ClinVar variation 520282 (VCV000520282.6), dbSNP rs1553614733, ClinGen allele CA351517655.

ClinVar aggregate classification (germline): Uncertain significance (1 of 4 stars; one submission).

Conditions:
Cardiovascular phenotype. Identifiers: MedGen CN230736.

Submission:

Ambry Genetics
Classification: Uncertain significance for Cardiovascular phenotype. Last evaluated: 2024-07-29. Review status: criteria provided, single submitter. Criteria: Ambry Variant Classification Scheme 2023. Collection method: clinical testing. Allele origin: germline.
Comment: The p.K148N variant (also known as c.444G>C), located in coding exon 4 of the RAF1 gene, results from a G to C substitution at nucleotide position 444. The lysine at codon 148 is replaced by asparagine, an amino acid with similar properties. This amino acid position is well conserved in available vertebrate species. In addition, the in silico prediction for this alteration is inconclusive. Based on the available evidence, the clinical significance of this variant remains unclear.